The following is an entry in ClinVar:

NM_006662.3(SRCAP):c.3293G>C (p.Arg1098Pro)

Gene: SRCAP (Snf2 related CREBBP activator protein; plus strand). Cytogenetic location: 16p11.2.
Variant type: single nucleotide variant.
Coding change: c.3293G>C on transcript NM_006662.3 (MANE Select); coding-DNA position 3293, G replaced by C.
Protein change: p.Arg1098Pro; replaces arginine 1098 with proline.
Molecular consequence: missense variant.
Genome position (GRCh38, 1-based): chr16:30,721,228, G>C. VCF-style: chr16-30721228-G-C. GRCh37 (hg19) VCF-style: chr16-30732549-G-C.
Other names: short protein forms R1098P.
Identifiers: ClinVar variation 2046826 (VCV002046826.5), dbSNP rs370202769, ClinGen allele CA8011462.

ClinVar aggregate classification (germline): Conflicting classifications of pathogenicity. Review status: criteria provided, conflicting classifications (1 of 4 stars). 3 submissions from 3 submitters: Uncertain significance (1); Likely benign (2). Last evaluated 2024-10-05.

Conditions:
Inborn genetic diseases. Identifiers: MedGen C0950123, MeSH D030342.

Allele frequency attached by ClinVar (database versions not stated): gnomAD exomes 0.00001; TOPMed 0.00002; ExAC 0.00004.
gnomAD v4.1: 33 of 1,613,536 alleles (0.002%); highest among the groups gnomAD compares: Admixed American, 0.005%; 1 homozygote.

Submissions (3):

Labcorp Genetics (formerly Invitae), Labcorp
Classification: Uncertain significance. Last evaluated: 2024-10-05. Review status: criteria provided, single submitter. Criteria: Invitae Variant Classification Sherloc (09022015). Collection method: clinical testing. Allele origin: germline.
Comment: This sequence change replaces arginine, which is basic and polar, with proline, which is neutral and non-polar, at codon 1098 of the SRCAP protein (p.Arg1098Pro). This variant is present in population databases (rs370202769, gnomAD 0.005%). This variant has not been reported in the literature in individuals affected with SRCAP-related conditions. ClinVar contains an entry for this variant (Variation ID: 2046826). Invitae Evidence Modeling of protein sequence and biophysical properties (such as structural, functional, and spatial information, amino acid conservation, physicochemical variation, residue mobility, and thermodynamic stability) indicates that this missense variant is not expected to disrupt SRCAP protein function with a negative predictive value of 80%. In summary, the available evidence is currently insufficient to determine the role of this variant in disease. Therefore, it has been classified as a Variant of Uncertain Significance.

Blueprint Genetics
Classification: Likely benign. Last evaluated: 2024-09-27. Review status: criteria provided, single submitter. Criteria: ACMG Guidelines, 2015. Collection method: clinical testing. Allele origin: germline.

Ambry Genetics
Classification: Likely benign for Inborn genetic diseases. Last evaluated: 2022-05-25. Review status: criteria provided, single submitter. Criteria: Ambry Variant Classification Scheme 2023. Collection method: clinical testing. Allele origin: germline.